The following is an entry in ClinVar:

NM_000531.6(OTC):c.404C>A (p.Ala135Glu)

Gene: OTC (ornithine transcarbamylase; plus strand). Cytogenetic location: Xp11.4.
Variant type: single nucleotide variant.
Coding change: c.404C>A on transcript NM_000531.6 (MANE Select); coding-DNA position 404, C replaced by A.
Protein change: p.Ala135Glu; replaces alanine 135 with glutamic acid.
Molecular consequence: missense variant.
Genome position (GRCh38, 1-based): chrX:38,401,292, C>A. VCF-style: chrX-38401292-C-A. GRCh37 (hg19) VCF-style: chrX-38260545-C-A.
Other names: short protein forms A135E.
Identifiers: ClinVar variation 97191 (VCV000097191.2), dbSNP rs72556256, ClinGen allele CA224587.

ClinVar aggregate classification (germline): Pathogenic (0 of 4 stars; one submission).

Allele frequency attached by ClinVar (database versions not stated): gnomAD exomes below 0.00001.
gnomAD v4.1: 1 of 1,203,537 alleles (0.000083%); highest among the groups gnomAD compares: Non-Finnish European, 0.00011%; no homozygotes.

Submission:

GenMed Metabolism Lab
Classification: Pathogenic. Review status: no assertion criteria provided. Collection method: not provided. Allele origin: unknown.
Comment: p.Ala135Glu, Late
ClinVar note: Converted during submission from pathogenic to Pathogenic.